The following is an entry in ClinVar:

NM_001042492.3(NF1):c.1258A>C (p.Asn420His)

Gene: NF1 (neurofibromin 1; plus strand). Cytogenetic location: 17q11.2.
Variant type: single nucleotide variant.
Coding change: c.1258A>C on transcript NM_001042492.3 (MANE Select); coding-DNA position 1258, A replaced by C.
Protein change: p.Asn420His; replaces asparagine 420 with histidine.
Molecular consequence: missense variant.
Genome position (GRCh38, 1-based): chr17:31,201,483, A>C. VCF-style: chr17-31201483-A-C. GRCh37 (hg19) VCF-style: chr17-29528501-A-C.
Other names: c.1258A>C, p.Asn420His (NM_001128147.3, NM_000267.4); short protein forms N420H.
Identifiers: ClinVar variation 1021185 (VCV001021185.5), dbSNP rs2066529281, ClinGen allele CA398997786.
Genomic context (GRCh38, chr17:31,201,483, plus strand): 5'-CAGAATTCACCTTCTACATTTCACTATGTGCTGGTAAATTCACTCCATCGAATCATCACC[A>C]ATGTAAGTCCAAAAGGTATTGCTAAATTACTAAAAAAATTTTTTTCTTTCTTTTCTTTGC-3'
Protein context (NP_001035957.1, residues 410-430): LVNSLHRIIT[Asn420His]SALDWWPKID

ClinVar aggregate classification (germline): Uncertain significance (1 of 4 stars; one submission).

Conditions:
Neurofibromatosis, type 1 (NF1). Also called: Peripheral type neurofibromatosis; Neurofibromatosis, type I; VON RECKLINGHAUSEN DISEASE; NEUROFIBROMATOSIS, TYPE I, SOMATIC. Identifiers: Orphanet 636, MedGen C0027831, MONDO:0018975, OMIM 162200. Disease mechanism: loss of function.

Submission:

Labcorp Genetics (formerly Invitae), Labcorp
Classification: Uncertain significance for Neurofibromatosis, type 1. Last evaluated: 2021-10-06. Review status: criteria provided, single submitter. Criteria: Invitae Variant Classification Sherloc (09022015). Collection method: clinical testing. Allele origin: germline.
Comment: In summary, the available evidence is currently insufficient to determine the role of this variant in disease. Therefore, it has been classified as a Variant of Uncertain Significance. Algorithms developed to predict the effect of missense changes on protein structure and function are either unavailable or do not agree on the potential impact of this missense change (SIFT: "Tolerated"; PolyPhen-2: "Probably Damaging"; Align-GVGD: "Class C0"). This variant has not been reported in the literature in individuals affected with NF1-related conditions. This variant is not present in population databases (ExAC no frequency). This sequence change replaces asparagine with histidine at codon 420 of the NF1 protein (p.Asn420His). The asparagine residue is highly conserved and there is a small physicochemical difference between asparagine and histidine.